The following is an entry in ClinVar:

NM_005733.3(KIF20A):c.639C>G (p.Asp213Glu)

Gene: KIF20A (kinesin family member 20A; plus strand). Cytogenetic location: 5q31.2.
Variant type: single nucleotide variant.
Coding change: c.639C>G on transcript NM_005733.3 (MANE Select); coding-DNA position 639, C replaced by G.
Protein change: p.Asp213Glu; replaces aspartic acid 213 with glutamic acid.
Molecular consequence: missense variant.
Genome position (GRCh38, 1-based): chr5:138,182,710, C>G. VCF-style: chr5-138182710-C-G. GRCh37 (hg19) VCF-style: chr5-137518399-C-G.
Other names: short protein forms D213E.
Identifiers: ClinVar variation 4700513 (VCV004700513.1).
Genomic context (GRCh38, chr5:138,182,710, plus strand): 5'-CCAACTTCATCCAACACCTGATCTGAAGCCCTTGCTCTCCAATGAGGTAATCTGGCTAGA[C>G]AGCAAGCAGATCCGACAGGAGGAAATGAAGAAGCTGTCCCTGCTAAATGGAGGCCTCCAA-3'
Protein context (NP_005724.1, residues 203-223): PLLSNEVIWL[Asp213Glu]SKQIRQEEMK

ClinVar aggregate classification (germline): Uncertain significance (1 of 4 stars; one submission).

Submission:

Labcorp Genetics (formerly Invitae), Labcorp
Classification: Uncertain significance. Last evaluated: 2025-07-27. Review status: criteria provided, single submitter. Criteria: Invitae Variant Classification Sherloc (09022015). Collection method: clinical testing. Allele origin: germline.
Comment: This sequence change replaces aspartic acid, which is acidic and polar, with glutamic acid, which is acidic and polar, at codon 213 of the KIF20A protein (p.Asp213Glu). This variant is present in population databases (rs368612950, gnomAD 0.002%). This variant has not been reported in the literature in individuals affected with KIF20A-related conditions. An algorithm developed to predict the effect of missense changes on protein structure and function (PolyPhen-2) suggests that this variant is likely to be tolerated. In summary, the available evidence is currently insufficient to determine the role of this variant in disease. Therefore, it has been classified as a Variant of Uncertain Significance.